The following is an entry in ClinVar:

ClinVar aggregate classification (germline): Uncertain significance. Review status: criteria provided, multiple submitters, no conflicts (2 of 4 stars). 2 submissions from 2 submitters: Uncertain significance (2). Last evaluated 2025-08-10.

Conditions:
Inborn genetic diseases. Identifiers: MedGen C0950123, MeSH D030342.
Sulfite oxidase deficiency. Also called: Isolated sulfite oxidase deficiency. Identifiers: Orphanet 833, Orphanet 99731, MedGen C0268624, MONDO:0010089, OMIM 272300, HP:0003643.

Allele frequency attached by ClinVar (database versions not stated): gnomAD exomes below 0.00001 and 0.00001; ExAC 0.00002; gnomAD 0.00005; TOPMed 0.00013; ESP Exome Variant Server 0.00023.

Submissions (2):

Ambry Genetics
Classification: Uncertain significance for Inborn genetic diseases. Last evaluated: 2025-08-10. Review status: criteria provided, single submitter. Criteria: Ambry Variant Classification Scheme 2023. Collection method: clinical testing. Allele origin: germline.

Labcorp Genetics (formerly Invitae), Labcorp
Classification: Uncertain significance for Sulfite oxidase deficiency. Last evaluated: 2024-05-15. Review status: criteria provided, single submitter. Criteria: Invitae Variant Classification Sherloc (09022015). Collection method: clinical testing. Allele origin: germline.
Comment: This sequence change replaces glutamic acid, which is acidic and polar, with lysine, which is basic and polar, at codon 410 of the SUOX protein (p.Glu410Lys). This variant is present in population databases (rs373278894, gnomAD 0.01%). This variant has not been reported in the literature in individuals affected with SUOX-related conditions. ClinVar contains an entry for this variant (Variation ID: 1368583). Advanced modeling of protein sequence and biophysical properties (such as structural, functional, and spatial information, amino acid conservation, physicochemical variation, residue mobility, and thermodynamic stability) performed at Invitae indicates that this missense variant is not expected to disrupt SUOX protein function with a negative predictive value of 80%. In summary, the available evidence is currently insufficient to determine the role of this variant in disease. Therefore, it has been classified as a Variant of Uncertain Significance.

NM_001032386.2(SUOX):c.1228G>A (p.Glu410Lys)

Gene: SUOX (sulfite oxidase; plus strand). Cytogenetic location: 12q13.2.
Variant type: single nucleotide variant.
Coding change: c.1228G>A on transcript NM_001032386.2 (MANE Select); coding-DNA position 1228, G replaced by A.
Protein change: p.Glu410Lys; replaces glutamic acid 410 with lysine.
Molecular consequence: missense variant.
Genome position (GRCh38, 1-based): chr12:56,004,617, G>A. VCF-style: chr12-56004617-G-A. GRCh37 (hg19) VCF-style: chr12-56398401-G-A.
Other names: c.1228G>A (NM_000456.2); c.1228G>A, p.Glu410Lys (NM_000456.3, NM_001032387.2); short protein forms E410K.
Identifiers: ClinVar variation 1368583 (VCV001368583.8), dbSNP rs373278894, ClinGen allele CA6621133.